The following is an entry in ClinVar:

NM_001256715.2(DNAAF3):c.1253_1256dup (p.Gln420fs)

Genes: DNAAF3 (dynein axonemal assembly factor 3; minus strand), DNAAF3-AS1 (DNAAF3 antisense RNA 1; plus strand). Cytogenetic location: 19q13.42.
Variant type: Duplication.
Coding change: c.1253_1256dup on transcript NM_001256715.2 (MANE Select); coding-DNA positions 1253 to 1256, 4 bases duplicated (TGCG; older notation c.1253_1256dupTGCG).
Protein change: p.Gln420fs; shifts the reading frame from glutamine 420.
Molecular consequence: frameshift variant.
Genome position (GRCh38, 1-based): chr19:55,159,432-55,159,435, CGCA duplicated on the plus strand (TGCG on the coding strand, the reverse complement: DNAAF3 is on the minus strand); duplicating any 4 consecutive bases within chr19:55,159,432-55,159,437 gives the same sequence; the c. name uses the placement nearest the transcript's 3' end. VCF-style (leftmost placement, unchanged base first): chr19-55159431-C-CCGCA. GRCh37 (hg19) VCF-style: chr19-55670799-C-CCGCA.
Other names: c.1454_1457dup, p.Gln487fs (NM_001256714.1); c.1091_1094dup, p.Gln366fs (NM_001256716.2); c.1394_1397dup, p.Gln467fs (NM_178837.4); short protein forms Q366fs, Q420fs, Q487fs, Q467fs.
Identifiers: ClinVar variation 2961596 (VCV002961596.3), dbSNP rs1317129577, ClinGen allele CA633906459.
Genomic context (GRCh38, chr19:55,159,431, plus strand): 5'-AAATCCAGCTGCCTGAGCTAGCTCCCTGACCCGGGTGTTGAATCCCTGCAGCTGCTCCTG[C>CCGCA]CGCACGTCCACCAGGTACCTGCAGATGGGAAGCGCCCTGTCAGGGACCCAGATTTTGATC-3'

ClinVar aggregate classification (germline): Pathogenic (1 of 4 stars; one submission).

Conditions:
Primary ciliary dyskinesia. Also called: Ciliary dyskinesia. Identifiers: Orphanet 244, MedGen C0008780, MONDO:0016575, HP:0012265.

Submission:

Labcorp Genetics (formerly Invitae), Labcorp
Classification: Pathogenic for Primary ciliary dyskinesia. Last evaluated: 2022-12-20. Review status: criteria provided, single submitter. Criteria: Invitae Variant Classification Sherloc (09022015). Collection method: clinical testing. Allele origin: germline.
Comment: For these reasons, this variant has been classified as Pathogenic. This variant disrupts a region of the DNAAF3 protein in which other variant(s) (p.Gln487*) have been determined to be pathogenic (Invitae). This suggests that this is a clinically significant region of the protein, and that variants that disrupt it are likely to be disease-causing. This variant has not been reported in the literature in individuals affected with DNAAF3-related conditions. This variant is present in population databases (no rsID available, gnomAD no frequency). This sequence change creates a premature translational stop signal (p.Gln487Alafs*59) in the DNAAF3 gene. While this is not anticipated to result in nonsense mediated decay, it is expected to disrupt the last 122 amino acid(s) of the DNAAF3 protein.